The following is an entry in ClinVar:

NM_000142.5(FGFR3):c.1908C>T (p.Phe636=)

Gene: FGFR3 (fibroblast growth factor receptor 3; plus strand). Cytogenetic location: 4p16.3.
Variant type: single nucleotide variant.
Coding change: c.1908C>T on transcript NM_000142.5 (MANE Select); coding-DNA position 1908, C replaced by T.
Protein change: p.Phe636=; no amino-acid change (phenylalanine 636 retained).
Molecular consequence: synonymous variant. On other transcripts: non-coding transcript variant (1).
Genome position (GRCh38, 1-based): chr4:1,806,122, C>T. VCF-style: chr4-1806122-C-T. GRCh37 (hg19) VCF-style: chr4-1807849-C-T.
Other names: c.1914C>T, p.Phe638= (NM_001163213.2); c.1911C>T, p.Phe637= (NM_001354809.2, NM_001354810.2); c.1572C>T, p.Phe524= (NM_022965.4).
Identifiers: ClinVar variation 4535644 (VCV004535644.2).
Genomic context (GRCh38, chr4:1,806,122, plus strand): 5'-GGACCTGGCTGCCCGCAATGTGCTGGTGACCGAGGACAACGTGATGAAGATCGCAGACTT[C>T]GGGCTGGCCCGGGACGTGCACAACCTCGACTACTACAAGAAGACGACCAACGTGAGCCCG-3'
Protein context (NP_000133.1, residues 626-646): TEDNVMKIAD[Phe636=]GLARDVHNLD

ClinVar aggregate classification (germline): Likely benign. Review status: criteria provided, multiple submitters, no conflicts (2 of 4 stars). 2 submissions from 2 submitters: Likely benign (2). Last evaluated 2025-09-09.

gnomAD v4.1: 14 of 1,613,442 alleles (0.00087%); highest among the groups gnomAD compares: South Asian, 0.0022%; no homozygotes.

Submissions (2):

Women's Health and Genetics/Laboratory Corporation of America, LabCorp
Classification: Likely benign. Last evaluated: 2025-09-09. Review status: criteria provided, single submitter. Criteria: LabCorp Variant Classification Summary - May 2015. Collection method: clinical testing. Allele origin: germline.
Comment: Variant summary: FGFR3 c.1908C>T alters a conserved nucleotide resulting in a synonymous change. Consensus agreement among computation tools predict no significant impact on normal splicing. However, these predictions have yet to be confirmed by functional studies. The frequency data for this variant in gnomAD is considered unreliable, as metrics indicate poor data quality at this position. To our knowledge, no occurrence of c.1908C>T in individuals affected with FGFR3-related conditions and no experimental evidence demonstrating its impact on protein function have been reported. No submitters have cited clinical-significance assessments for this variant to ClinVar. Based on the evidence outlined above, the variant was classified as likely benign.

Labcorp Genetics (formerly Invitae), Labcorp
Classification: Likely benign. Last evaluated: 2025-04-27. Review status: criteria provided, single submitter. Criteria: Invitae Variant Classification Sherloc (09022015). Collection method: clinical testing. Allele origin: germline.